The following is an entry in ClinVar:

ClinVar aggregate classification (germline): Uncertain significance (1 of 4 stars; one submission).

Conditions:
Cataract 5 multiple types (CTRCT5). Also called: Lamellar cataract; CATARACT, MARNER TYPE; CATARACT 5, LAMELLAR. Identifiers: Orphanet 91492, MedGen C0266537, MONDO:0007290, OMIM 116800, HP:0007971.

Submission:

3billion
Classification: Uncertain significance for Cataract 5 multiple types. Last evaluated: 2025-02-15. Review status: criteria provided, single submitter. Criteria: ACMG Guidelines, 2015. Collection method: clinical testing. Allele origin: germline. Affected: yes.
Comment: The variant is not observed in the gnomAD v4.1.0 dataset. Predicted Consequence/Location: Missense variant In silico tool predictions suggest damaging effect of the variant on gene or gene product [REVEL: 0.81 (>=0.6, sensitivity 0.68 and specificity 0.92); 3Cnet: 0.88 (>=0.6, sensitivity 0.72 and precision 0.9)]. In silico tools predict the variant to alter splicing and produce an abnormal transcript [SpliceAI: 0.42 (>=0.2, moderate evidence for spliceogenicity)]. Therefore, this variant is classified as VUS according to the recommendation of ACMG/AMP guideline.

NM_001374675.1(HSF4):c.242G>A (p.Arg81Gln)

Gene: HSF4 (heat shock transcription factor 4; plus strand). Cytogenetic location: 16q22.1.
Variant type: single nucleotide variant.
Coding change: c.242G>A on transcript NM_001374675.1 (MANE Select); coding-DNA position 242, G replaced by A.
Protein change: p.Arg81Gln; replaces arginine 81 with glutamine.
Molecular consequence: missense variant.
Genome position (GRCh38, 1-based): chr16:67,165,728, G>A. VCF-style: chr16-67165728-G-A. GRCh37 (hg19) VCF-style: chr16-67199631-G-A.
Other names: c.242G>A, p.Arg81Gln (NM_001040667.3, NM_001374674.1, NM_001538.4); short protein forms R81Q.
Identifiers: ClinVar variation 4291838 (VCV004291838.1).